The following is an entry in ClinVar:

NM_003906.5(MCM3AP):c.819dup (p.Cys274fs)

Gene: MCM3AP (minichromosome maintenance complex component 3 associated protein; minus strand). Cytogenetic location: 21q22.3.
Variant type: Duplication.
Coding change: c.819dup on transcript NM_003906.5 (MANE Select); coding-DNA position 819, one base duplicated (G; older notation c.819dupG).
Protein change: p.Cys274fs; shifts the reading frame from cysteine 274.
Molecular consequence: frameshift variant.
Genome position (GRCh38, 1-based): chr21:46,284,468, C duplicated on the plus strand (G on the coding strand, the reverse complement: MCM3AP is on the minus strand); the first of 4 consecutive C bases (chr21:46,284,468-46,284,471); duplicating any one gives the same sequence. VCF-style (leftmost placement, unchanged base first): chr21-46284467-A-AC. GRCh37 (hg19) VCF-style: chr21-47704381-A-AC.
Other names: short protein forms C274fs.
Identifiers: ClinVar variation 2109072 (VCV002109072.4), dbSNP rs1569085428, ClinGen allele CA638498975.
Genomic context (GRCh38, chr21:46,284,467, plus strand): 5'-TCCTTTTCAGTCCTTTCATTAGGCTGGGAAGTGGTTCCACCTGGGAAACAGCTTCTTCAC[A>AC]CCCCTGCCTGACACCTGCTTTGCTAGCCTGGAAAGGTTCGCCCAAAACCGCAGATGATAC-3'

ClinVar aggregate classification (germline): Pathogenic (1 of 4 stars; one submission).

Submission:

Labcorp Genetics (formerly Invitae), Labcorp
Classification: Pathogenic. Last evaluated: 2024-06-26. Review status: criteria provided, single submitter. Criteria: Invitae Variant Classification Sherloc (09022015). Collection method: clinical testing. Allele origin: germline.
Comment: This sequence change creates a premature translational stop signal (p.Cys274Valfs*2) in the MCM3AP gene. It is expected to result in an absent or disrupted protein product. Loss-of-function variants in MCM3AP are known to be pathogenic (PMID: 28633435). This variant is present in population databases (no rsID available, gnomAD 0.0009%). This variant has not been reported in the literature in individuals affected with MCM3AP-related conditions. ClinVar contains an entry for this variant (Variation ID: 2109072). For these reasons, this variant has been classified as Pathogenic.

Literature cited by the submitters: PubMed 28633435.